The following is an entry in ClinVar:

NM_000179.3(MSH6):c.3172+1G>C

Gene: MSH6 (mutS homolog 6; plus strand). Cytogenetic location: 2p16.3.
Variant type: single nucleotide variant.
Coding change: c.3172+1G>C on transcript NM_000179.3 (MANE Select); the canonical splice donor site of the intron after coding-DNA position 3172, G replaced by C.
Molecular consequence: splice donor variant. On other transcripts: intron variant (2).
Genome position (GRCh38, 1-based): chr2:47,801,156, G>C. VCF-style: chr2-47801156-G-C. GRCh37 (hg19) VCF-style: chr2-48028295-G-C.
Other names: c.3172+1G>C (NM_001406809.1, NM_001406796.1, NM_001406808.1 and 2 more transcripts); c.2266+1G>C (NM_001406811.1, NM_001406814.1, NM_001281493.2 and 6 more transcripts); c.2875+1G>C (NM_001406805.1, NM_001406797.1, NM_001406801.1 and 10 more transcripts); c.3268+1G>C (NM_001406795.1, NM_001406802.1); c.3178+1G>C (NM_001406813.1); c.2647+1G>C (NM_001406807.1, NM_001406799.1, NM_001406806.1); c.2308+865G>C (NM_001406803.1); c.1606+1567G>C (NM_001406817.1); and 4 more.
Identifiers: ClinVar variation 823074 (VCV000823074.11), dbSNP rs587779255, ClinGen allele CA346756753.

ClinVar aggregate classification (germline): Likely pathogenic. Review status: criteria provided, multiple submitters, no conflicts (2 of 4 stars). 3 submissions from 3 submitters: Likely pathogenic (3). Last evaluated 2025-10-10.

Conditions:
Hereditary cancer-predisposing syndrome. Also called: Tumor predisposition; Hereditary Cancer Syndrome; Neoplastic Syndromes, Hereditary; Hereditary neoplastic syndrome. Identifiers: Orphanet 140162, MedGen C0027672, MeSH D009386, MONDO:0015356.
Lynch syndrome 5 (LYNCH5). Also called: Colorectal cancer, hereditary nonpolyposis, type 5; Hereditary non-polyposis colorectal cancer, type 5. Identifiers: Orphanet 144, MedGen C1833477, MONDO:0013710, OMIM 614350. Disease mechanism: loss of function.

Submissions (3):

Ambry Genetics
Classification: Likely pathogenic for Hereditary cancer-predisposing syndrome. Last evaluated: 2025-10-10. Review status: criteria provided, single submitter. Criteria: Ambry Variant Classification Scheme 2023. Collection method: clinical testing. Allele origin: germline.
Comment: The c.3172+1G>C intronic variant results from a G to C substitution one nucleotide after coding exon 4 of the MSH6 gene. This variant is considered to be rare based on population cohorts in the Genome Aggregation Database (gnomAD). This nucleotide position is highly conserved in available vertebrate species. In silico splice site analysis predicts that this alteration will weaken the native splice donor site; however, direct evidence is insufficient at this time (Ambry internal data). Alterations that disrupt the canonical splice site are expected to cause aberrant splicing, resulting in an abnormal protein or a transcript that is subject to nonsense-mediated mRNA decay. As such, this alteration is classified as likely pathogenic.

Myriad Genetics, Inc.
Classification: Likely pathogenic for Lynch syndrome 5. Last evaluated: 2023-08-22. Review status: criteria provided, single submitter. Criteria: Myriad Autosomal Dominant, Autosomal Recessive and X-Linked Classification Criteria (2023). Collection method: clinical testing. Allele origin: unknown.
Comment: This variant is considered likely pathogenic. This variant occurs within a consensus splice junction and is predicted to result in abnormal mRNA splicing of either an out-of-frame exon or an in-frame exon necessary for protein stability and/or normal function.

Color Diagnostics, LLC DBA Color Health
Classification: Likely pathogenic for Hereditary cancer-predisposing syndrome. Last evaluated: 2022-06-06. Review status: criteria provided, single submitter. Criteria: ACMG Guidelines, 2015. Collection method: clinical testing. Allele origin: germline.
Comment: This variant causes a G>C nucleotide substitution at the +1 position of intron 4 of the MSH6 gene. Splice site prediction tools suggest that this variant may have a significant impact on RNA splicing. Although this prediction has not been confirmed in published RNA studies, this variant is expected to result in an absent or disrupted protein product. This variant has not been reported in individuals affected with hereditary cancer in the literature. This variant has not been identified in the general population by the Genome Aggregation Database (gnomAD). Different variants affecting the same splice donor site, c.3172+1G>A and c.3172+1G>T, are known to be disease-causing (ClinVar variation ID: 428291, 89344). Loss of MSH6 function is a known mechanism of disease. Based on the available evidence, this variant is classified as Likely Pathogenic.